The following is an entry in ClinVar:

NM_004369.4(COL6A3):c.3751G>A (p.Val1251Ile)

Gene: COL6A3 (collagen type VI alpha 3 chain; minus strand). Cytogenetic location: 2q37.3.
Variant type: single nucleotide variant.
Coding change: c.3751G>A on transcript NM_004369.4 (MANE Select); coding-DNA position 3751, G replaced by A.
Protein change: p.Val1251Ile; replaces valine 1251 with isoleucine.
Molecular consequence: missense variant.
Genome position (GRCh38, 1-based): chr2:237,372,266, C>T on the plus strand (G>A on the coding strand, the complement: COL6A3 is on the minus strand). VCF-style: chr2-237372266-C-T. GRCh37 (hg19) VCF-style: chr2-238280909-C-T.
Other names: p.Val1251Ile; c.2530G>A, p.Val844Ile (NM_057164.5); c.3133G>A, p.Val1045Ile (NM_057165.5, NM_057167.4); c.1930G>A, p.Val644Ile (NM_057166.5); short protein forms V1251I, V644I, V1045I, V844I.
Identifiers: ClinVar variation 335126 (VCV000335126.22), dbSNP rs199646208, ClinGen allele CA2189083.

ClinVar aggregate classification (germline): Conflicting classifications of pathogenicity. Review status: criteria provided, conflicting classifications (1 of 4 stars). 6 submissions from 6 submitters: Uncertain significance (2); Benign (1); Likely benign (3). Last evaluated 2025-11-24.

Conditions:
Dystonia 27 (DYT27). Identifiers: Orphanet 464440, MedGen C4225336, MONDO:0014627, OMIM 616411.
Bethlem myopathy 1A. Also called: MYOPATHY, BENIGN CONGENITAL, WITH CONTRACTURES; Bethlem myopathy 1; Bethlem Muscular Dystrophy. Identifiers: Orphanet 610, MedGen CN029274, MONDO:0024530, OMIM 158810.
Collagen 6-related myopathy. Identifiers: MedGen CN117976, MONDO:0100225.

Allele frequency attached by ClinVar (database versions not stated): gnomAD 0.00017 and 0.00018; TOPMed 0.00027; ExAC 0.00037.
gnomAD v4.1: 281 of 1,613,614 alleles (0.017%); highest among the groups gnomAD compares: East Asian, 0.13%; no homozygotes.

Submissions (6):

Labcorp Genetics (formerly Invitae), Labcorp
Classification: Likely benign for Bethlem myopathy 1A. Last evaluated: 2025-11-24. Review status: criteria provided, single submitter. Criteria: Invitae Variant Classification Sherloc (09022015). Collection method: clinical testing. Allele origin: germline.

Mayo Clinic Laboratories, Mayo Clinic
Classification: Likely benign. Last evaluated: 2025-04-15. Review status: criteria provided, single submitter. Criteria: ACMG Guidelines, 2015. Collection method: clinical testing. Allele origin: germline. Observed: 1 variant allele.
Comment: BS1

Department of Pathology and Laboratory Medicine, Sinai Health System
Classification: Uncertain significance for dystonia 27. Last evaluated: 2021-07-30. Review status: criteria provided, single submitter. Criteria: ACMG Guidelines, 2015. Collection method: research. Allele origin: germline.

Laboratorio de Genetica e Diagnostico Molecular, Hospital Israelita Albert Einstein
Classification: Likely benign. Last evaluated: 2020-01-03. Review status: criteria provided, single submitter. Criteria: ACMG Guidelines, 2015. Collection method: clinical testing. Allele origin: germline. Affected: yes.
Comment: ACMG classification criteria: BS1, BP4

Eurofins Ntd Llc (ga)
Classification: Uncertain significance. Last evaluated: 2018-06-05. Review status: criteria provided, single submitter. Criteria: EGL ClinVar v180209 classification definitions. Collection method: clinical testing. Allele origin: germline. Observed: 1 variant allele, 1 heterozygote.

Illumina Laboratory Services, Illumina
Classification: Benign for Collagen VI-related myopathy. Last evaluated: 2018-01-12. Review status: criteria provided, single submitter. Criteria: ICSL Variant Classification Criteria 13 December 2019. Collection method: clinical testing. Allele origin: germline.
Comment: This variant was observed in the ICSL laboratory as part of a predisposition screen in an ostensibly healthy population. It had not been previously curated by ICSL or reported in the Human Gene Mutation Database (HGMD: prior to June 1st, 2018), and was therefore a candidate for classification through an automated scoring system. Utilizing variant allele frequency, disease prevalence and penetrance estimates, and inheritance mode, an automated score was calculated to assess if this variant is too frequent to cause the disease. Based on the score and internal cut-off values, a variant classified as benign is not then subjected to further curation. The score for this variant resulted in a classification of benign for this disease.